The following is an entry in ClinVar:

NM_020911.2(PLXNA4):c.5226-5C>T

Gene: PLXNA4 (plexin A4; minus strand). Cytogenetic location: 7q32.3.
Variant type: single nucleotide variant.
Coding change: c.5226-5C>T on transcript NM_020911.2 (MANE Select); 5 bases into the intron before coding-DNA position 5226, C replaced by T.
Molecular consequence: intron variant.
Genome position (GRCh38, 1-based): chr7:132,140,816, G>A on the plus strand (C>T on the coding strand, the complement: PLXNA4 is on the minus strand). VCF-style: chr7-132140816-G-A. GRCh37 (hg19) VCF-style: chr7-131825575-G-A.
Other names: c.5226-5C>T (NM_001393897.1).
Identifiers: ClinVar variation 3052136 (VCV003052136.2), dbSNP rs768447641, ClinGen allele CA4488954.

ClinVar aggregate classification (germline): Likely benign (0 of 4 stars; one submission).

Conditions:
PLXNA4-related disorder. Also called: PLXNA4-related condition.

Allele frequency attached by ClinVar (database versions not stated): gnomAD 0.00007; gnomAD exomes 0.00007; TOPMed 0.00008; ExAC 0.00010.
gnomAD v4.1: 117 of 1,613,870 alleles (0.0072%); highest among the groups gnomAD compares: Middle Eastern, 0.16%; no homozygotes.

Submission:

PreventionGenetics, part of Exact Sciences
Classification: Likely benign for PLXNA4-related condition. Last evaluated: 2022-04-11. Review status: no assertion criteria provided. Collection method: clinical testing. Allele origin: germline.
Comment: This variant is classified as likely benign based on ACMG/AMP sequence variant interpretation guidelines (Richards et al. 2015 PMID: 25741868, with internal and published modifications).